The following is an entry in ClinVar:

ClinVar aggregate classification (germline): Conflicting classifications of pathogenicity. Review status: criteria provided, conflicting classifications (1 of 4 stars). 2 submissions from 2 submitters: Uncertain significance (1); Likely benign (1). Last evaluated 2025-04-02.

Allele frequency attached by ClinVar (database versions not stated): gnomAD 0.00001; gnomAD exomes 0.00002; TOPMed 0.00002.
gnomAD v4.1: 13 of 1,594,576 alleles (0.00082%); highest among the groups gnomAD compares: Admixed American, 0.0052%; no homozygotes.

Submissions (2):

Ambry Genetics
Classification: Likely benign. Last evaluated: 2025-04-02. Review status: criteria provided, single submitter. Criteria: Ambry Variant Classification Scheme 2023. Collection method: clinical testing. Allele origin: germline.

Labcorp Genetics (formerly Invitae), Labcorp
Classification: Uncertain significance. Last evaluated: 2023-08-04. Review status: criteria provided, single submitter. Criteria: Invitae Variant Classification Sherloc (09022015). Collection method: clinical testing. Allele origin: germline.
Comment: This variant has not been reported in the literature in individuals affected with SIX5-related conditions. This sequence change replaces alanine, which is neutral and non-polar, with glycine, which is neutral and non-polar, at codon 613 of the SIX5 protein (p.Ala613Gly). This variant is present in population databases (no rsID available, gnomAD 0.004%). ClinVar contains an entry for this variant (Variation ID: 1368391). Advanced modeling of protein sequence and biophysical properties (such as structural, functional, and spatial information, amino acid conservation, physicochemical variation, residue mobility, and thermodynamic stability) performed at Invitae indicates that this missense variant is not expected to disrupt SIX5 protein function. In summary, the available evidence is currently insufficient to determine the role of this variant in disease. Therefore, it has been classified as a Variant of Uncertain Significance.

NM_175875.5(SIX5):c.1838C>G (p.Ala613Gly)

Gene: SIX5 (SIX homeobox 5; minus strand). Cytogenetic location: 19q13.32.
Variant type: single nucleotide variant.
Coding change: c.1838C>G on transcript NM_175875.5 (MANE Select); coding-DNA position 1838, C replaced by G.
Protein change: p.Ala613Gly; replaces alanine 613 with glycine.
Molecular consequence: missense variant.
Genome position (GRCh38, 1-based): chr19:45,765,883, G>C on the plus strand (C>G on the coding strand, the complement: SIX5 is on the minus strand). VCF-style: chr19-45765883-G-C. GRCh37 (hg19) VCF-style: chr19-46269141-G-C.
Other names: c.1838C>G (NM_175875.4); short protein forms A613G.
Identifiers: ClinVar variation 1368391 (VCV001368391.9), dbSNP rs994404687, ClinGen allele CA308996673.